The following is an entry in ClinVar:

NM_018898.5(PCDHAC1):c.2396G>A (p.Arg799Gln)

Genes: PCDHA9 (protocadherin alpha 9; plus strand), PCDHA@ (protocadherin alpha cluster, complex locus; plus strand), PCDHAC1 (protocadherin alpha subfamily C, 1; plus strand), PCDHA7 (protocadherin alpha 7; plus strand), PCDHA8 (protocadherin alpha 8; plus strand) and 10 more. Cytogenetic location: 5q31.3.
Variant type: single nucleotide variant.
Coding change: c.2396G>A on transcript NM_018898.5 (MANE Select); coding-DNA position 2396, G replaced by A.
Protein change: p.Arg799Gln; replaces arginine 799 with glutamine.
Molecular consequence: missense variant. On other transcripts: intron variant (16).
Genome position (GRCh38, 1-based): chr5:140,929,288, G>A. VCF-style: chr5-140929288-G-A. GRCh37 (hg19) VCF-style: chr5-140308873-G-A.
Other names: c.2396G>A, p.Arg799Gln (NM_031882.4); c.2395-49661G>A (NM_018900.4, NM_018906.3, NM_018909.4 and 2 more transcripts); c.1603-49661G>A (NM_031411.3, NM_031849.3); c.2389-49661G>A (NM_018905.3, NM_018901.4); c.2386-49661G>A (NM_018907.4); c.2353-49661G>A (NM_018908.3); c.2356-49661G>A (NM_018910.3); c.1600-49661G>A (NM_031860.3); and 3 more; short protein forms R799Q.
Identifiers: ClinVar variation 92001 (VCV000092001.2), dbSNP rs386352346, ClinGen allele CA232326.

ClinVar aggregate classification (germline): Uncertain significance (0 of 4 stars; one submission).

Allele frequency attached by ClinVar (database versions not stated): TOPMed 0.00001; gnomAD exomes below 0.00001; gnomAD 0.00001.
gnomAD v4.1: 5 of 1,597,514 alleles (0.00031%); highest among the groups gnomAD compares: Non-Finnish European, 0.00034%; no homozygotes.

Submission:

Richard Lifton Laboratory, Yale University School of Medicine
Classification: Uncertain significance. Review status: no assertion criteria provided. Collection method: not provided. Allele origin: somatic.
Comment: PCDHAC1
ClinVar note: Converted during submission from unknown to Uncertain significance.